The following is an entry in ClinVar:

ClinVar aggregate classification (germline): Likely pathogenic (1 of 4 stars; one submission).

Conditions:
Gnathodiaphyseal dysplasia (GDD). Also called: GNATHODIAPHYSEAL SCLEROSIS; OSTEOGENESIS IMPERFECTA WITH UNUSUAL SKELETAL LESIONS. Identifiers: Orphanet 53697, MedGen C1833736, MONDO:0008151, OMIM 166260.
Autosomal recessive limb-girdle muscular dystrophy type 2L (LGMDR12). Also called: MUSCULAR DYSTROPHY, LIMB-GIRDLE, AUTOSOMAL RECESSIVE 12; Limb-girdle muscular dystrophy, type 2L; Limb-Girdle Muscular Dystrophy R12 Anoctamin-5-Related (LGMD-R12). Identifiers: Orphanet 206549, MedGen C1969785, MONDO:0012652, OMIM 611307.

Submission:

Labcorp Genetics (formerly Invitae), Labcorp
Classification: Likely pathogenic for Autosomal recessive limb-girdle muscular dystrophy type 2L; Gnathodiaphyseal dysplasia. Last evaluated: 2023-11-25. Review status: criteria provided, single submitter. Criteria: Invitae Variant Classification Sherloc (09022015). Collection method: clinical testing. Allele origin: germline.
Comment: This sequence change affects a splice site in intron 17 of the ANO5 gene. It is expected to disrupt RNA splicing. Variants that disrupt the donor or acceptor splice site typically lead to a loss of protein function (PMID: 16199547), and loss-of-function variants in ANO5 are known to be pathogenic (PMID: 21186264, 23606453, 25891276, 30919934). This variant is not present in population databases (gnomAD no frequency). This variant has not been reported in the literature in individuals affected with ANO5-related conditions. Algorithms developed to predict the effect of sequence changes on RNA splicing suggest that this variant may disrupt the consensus splice site. In summary, the currently available evidence indicates that the variant is pathogenic, but additional data are needed to prove that conclusively. Therefore, this variant has been classified as Likely Pathogenic.

Literature cited by the submitters: PubMed 16199547; PubMed 21186264; PubMed 23606453; PubMed 25891276; PubMed 30919934.

NM_213599.3(ANO5):c.1898+1del

Gene: ANO5 (anoctamin 5; plus strand). Cytogenetic location: 11p14.3.
Variant type: Deletion.
Coding change: c.1898+1del on transcript NM_213599.3 (MANE Select); the canonical splice donor site of the intron after coding-DNA position 1898, one base deleted (G; older notation c.1898+1delG).
Molecular consequence: splice donor variant.
Genome position (GRCh38, 1-based): chr11:22,263,044, G deleted. VCF-style (leftmost placement, unchanged base first): chr11-22263043-CG-C. GRCh37 (hg19) VCF-style: chr11-22284589-CG-C.
Other names: c.1856+1del (NM_001410963.1); c.1895+1del (NM_001142649.2); c.1853+1del (NM_001410964.1).
Identifiers: ClinVar variation 2954236 (VCV002954236.3), dbSNP rs2494324455, ClinGen allele CA2740093658.